The following is an entry in ClinVar:

ClinVar aggregate classification (germline): Uncertain significance (1 of 4 stars; one submission).

gnomAD v4.1: 9 of 1,614,002 alleles (0.00056%); highest among the groups gnomAD compares: Non-Finnish European, 0.00076%; no homozygotes.

Submission:

Ambry Genetics
Classification: Uncertain significance. Last evaluated: 2025-11-24. Review status: criteria provided, single submitter. Criteria: Ambry Variant Classification Scheme 2023. Collection method: clinical testing. Allele origin: germline.
Comment: The c.65C>A (p.P22Q) alteration is located in exon 2 (coding exon 1) of the UTP14C gene. This alteration results from a C to A substitution at nucleotide position 65, causing the proline (P) at amino acid position 22 to be replaced by a glutamine (Q). Based on data from gnomAD, the A allele has an overall frequency of <0.001% (1/251362) total alleles studied. The highest observed frequency was 0.001% (1/113666) of European (non-Finnish) alleles. Based on insufficient or conflicting evidence, the clinical significance of this alteration remains unclear.

NM_021645.6(UTP14C):c.65C>A (p.Pro22Gln)

Genes: ALG11 (ALG11 alpha-1,2-mannosyltransferase; plus strand), UTP14C (UTP14C small subunit processome component; plus strand). Cytogenetic location: 13q14.3.
Variant type: single nucleotide variant.
Coding change: c.65C>A on transcript NM_021645.6 (MANE Select); coding-DNA position 65, C replaced by A.
Protein change: p.Pro22Gln; replaces proline 22 with glutamine.
Molecular consequence: missense variant. On other transcripts: 3 prime UTR variant (1), non-coding transcript variant (1).
Genome position (GRCh38, 1-based): chr13:52,028,869, C>A. VCF-style: chr13-52028869-C-A. GRCh37 (hg19) VCF-style: chr13-52603005-C-A.
Other names: c.*279C>A (NM_001004127.3); short protein forms P22Q.
Identifiers: ClinVar variation 4603260 (VCV004603260.1).